The following is an entry in ClinVar:

ClinVar aggregate classification (germline): Pathogenic (1 of 4 stars; one submission).

Conditions:
Osteogenesis imperfecta type I (OI1). Also called: OI, TYPE I; OSTEOGENESIS IMPERFECTA TARDA; OSTEOGENESIS IMPERFECTA WITH BLUE SCLERAE; Classic Non-deforming Osteogenesis Imperfecta with Blue Sclerae; Osteogenesis imperfecta type 1; Lobstein disease. Identifiers: Orphanet 216796, Orphanet 666, MedGen C0023931, MONDO:0008146, OMIM 166200. Disease mechanism: loss of function.

Submission:

Labcorp Genetics (formerly Invitae), Labcorp
Classification: Pathogenic for Osteogenesis imperfecta type I. Last evaluated: 2024-05-13. Review status: criteria provided, single submitter. Criteria: Invitae Variant Classification Sherloc (09022015). Collection method: clinical testing. Allele origin: germline.
Comment: This sequence change creates a premature translational stop signal (p.Trp1275Thrfs*57) in the COL1A1 gene. It is expected to result in an absent or disrupted protein product. Loss-of-function variants in COL1A1 are known to be pathogenic (PMID: 7942841, 9295084, 9443882). This variant is not present in population databases (gnomAD no frequency). This variant has not been reported in the literature in individuals affected with COL1A1-related conditions. ClinVar contains an entry for this variant (Variation ID: 643802). For these reasons, this variant has been classified as Pathogenic.

Literature cited by the submitters: PubMed 7942841; PubMed 9295084; PubMed 9443882.

NM_000088.4(COL1A1):c.3820_3821dup (p.Trp1275fs)

Gene: COL1A1 (collagen type I alpha 1 chain; minus strand). Cytogenetic location: 17q21.33.
Variant type: Duplication.
Coding change: c.3820_3821dup on transcript NM_000088.4 (MANE Select); coding-DNA positions 3820 to 3821, 2 bases duplicated (TA; older notation c.3820_3821dupTA).
Protein change: p.Trp1275fs; shifts the reading frame from tryptophan 1275.
Molecular consequence: frameshift variant.
Genome position (GRCh38, 1-based): chr17:50,186,501-50,186,502, TA duplicated on the plus strand (TA on the coding strand, the reverse complement: COL1A1 is on the minus strand). VCF-style (leftmost placement, unchanged base first): chr17-50186500-G-GTA. GRCh37 (hg19) VCF-style: chr17-48263861-G-GTA.
Other names: c.3820_3821dupTA (NM_000088.3); short protein forms W1275fs.
Identifiers: ClinVar variation 643802 (VCV000643802.7), dbSNP rs1598285120, ClinGen allele CA915950589.